The following is an entry in ClinVar:

NM_199334.5(THRA):c.720C>T (p.Ser240=)

Gene: THRA (thyroid hormone receptor alpha; plus strand). Cytogenetic location: 17q21.1.
Variant type: single nucleotide variant.
Coding change: c.720C>T on transcript NM_199334.5 (MANE Select); coding-DNA position 720, C replaced by T.
Protein change: p.Ser240=; no amino-acid change (serine 240 retained).
Molecular consequence: synonymous variant.
Genome position (GRCh38, 1-based): chr17:40,086,850, C>T. VCF-style: chr17-40086850-C-T. GRCh37 (hg19) VCF-style: chr17-38243103-C-T.
Other names: c.720C>T (NM_003250.5); c.720C>T, p.Ser240= (NM_001190918.2, NM_001190919.2, NM_003250.6).
Identifiers: ClinVar variation 780424 (VCV000780424.6), dbSNP rs2230702, ClinGen allele CA8539208.

ClinVar aggregate classification (germline): Benign. Review status: criteria provided, multiple submitters, no conflicts (2 of 4 stars). 3 submissions from 3 submitters: Benign (3). Last evaluated 2025-03-08.

Conditions:
THRA-related disorder. Also called: THRA-related condition.

Allele frequency attached by ClinVar (database versions not stated): gnomAD exomes 0.00056 and 0.00168; ExAC 0.00195; 1000 Genomes Project 0.00599; gnomAD 0.00630 and 0.00681; ESP Exome Variant Server 0.00638; 1000 Genomes Project 30x 0.00687; TOPMed 0.00689.
gnomAD v4.1: 1,831 of 1,614,022 alleles (0.11%); highest among the groups gnomAD compares: African/African-American, 2.1%; 25 homozygotes.

Submissions (3):

PreventionGenetics, part of Exact Sciences
Classification: Benign for THRA-related condition. Last evaluated: 2025-03-08. Review status: criteria provided, single submitter. Criteria: ACMG Guidelines, 2015. Collection method: clinical testing. Allele origin: germline.
Comment: This variant is classified as benign based on ACMG/AMP sequence variant interpretation guidelines (Richards et al. 2015 PMID: 25741868, with internal and published modifications).

Labcorp Genetics (formerly Invitae), Labcorp
Classification: Benign. Last evaluated: 2019-12-31. Review status: criteria provided, single submitter. Criteria: Invitae Variant Classification Sherloc (09022015). Collection method: clinical testing. Allele origin: germline.

Breakthrough Genomics
Classification: Benign. Review status: criteria provided, single submitter. Criteria: ACMG Guidelines, 2015. Collection method: not provided. Allele origin: germline. Inheritance: Autosomal dominant inheritance. Affected: yes.